The following is an entry in ClinVar:

NM_021096.4(CACNA1I):c.5918A>G (p.Gln1973Arg)

Gene: CACNA1I (calcium voltage-gated channel subunit alpha1 I; plus strand). Cytogenetic location: 22q13.1.
Variant type: single nucleotide variant.
Coding change: c.5918A>G on transcript NM_021096.4 (MANE Select); coding-DNA position 5918, A replaced by G.
Protein change: p.Gln1973Arg; replaces glutamine 1973 with arginine.
Molecular consequence: missense variant.
Genome position (GRCh38, 1-based): chr22:39,684,389, A>G. VCF-style: chr22-39684389-A-G. GRCh37 (hg19) VCF-style: chr22-40080394-A-G.
Other names: c.5813A>G, p.Gln1938Arg (NM_001003406.2); short protein forms Q1938R, Q1973R.
Identifiers: ClinVar variation 2430967 (VCV002430967.1), dbSNP rs2518207905, ClinGen allele CA411643393.

ClinVar aggregate classification (germline): Uncertain significance (1 of 4 stars; one submission).

Submission:

GeneDx
Classification: Uncertain significance. Last evaluated: 2022-08-25. Review status: criteria provided, single submitter. Criteria: GeneDx Variant Classification Process June 2021. Collection method: clinical testing. Allele origin: germline. Affected: yes.
Comment: Not observed at significant frequency in large population cohorts (gnomAD); In silico analysis supports that this missense variant does not alter protein structure/function; Has not been previously published as pathogenic or benign to our knowledge